The following is an entry in ClinVar:

NM_014704.4(CEP104):c.2196A>G (p.Gln732=)

Gene: CEP104 (centrosomal protein 104; minus strand). Cytogenetic location: 1p36.32.
Variant type: single nucleotide variant.
Coding change: c.2196A>G on transcript NM_014704.4 (MANE Select); coding-DNA position 2196, A replaced by G.
Protein change: p.Gln732=; no amino-acid change (glutamine 732 retained).
Molecular consequence: synonymous variant.
Genome position (GRCh38, 1-based): chr1:3,826,429, T>C on the plus strand (A>G on the coding strand, the complement: CEP104 is on the minus strand). VCF-style: chr1-3826429-T-C. GRCh37 (hg19) VCF-style: chr1-3742993-T-C.
Other names: NC_000001.10:g.3742993T>C.
Identifiers: ClinVar variation 3053252 (VCV003053252.5), dbSNP rs570483437, ClinGen allele CA551368.

ClinVar aggregate classification (germline): Likely benign. Review status: criteria provided, multiple submitters, no conflicts (2 of 4 stars). 3 submissions from 3 submitters: Likely benign (2). 1 of the submissions does not count toward it. Last evaluated 2026-01-05.

Conditions:
Joubert syndrome 25 (JBTS25). Identifiers: Orphanet 475, MedGen C4084842, MONDO:0014770, OMIM 616781.
CEP104-related disorder. Also called: CEP104-related condition.

Allele frequency attached by ClinVar (database versions not stated): gnomAD exomes 0.00002; TOPMed 0.00002; ExAC 0.00004; gnomAD 0.00010; 1000 Genomes Project 30x 0.00016; 1000 Genomes Project 0.00020.
gnomAD v4.1: 47 of 1,613,426 alleles (0.0029%); highest among the groups gnomAD compares: East Asian, 0.027%; no homozygotes.

Submissions (4):

Labcorp Genetics (formerly Invitae), Labcorp
Classification: Likely benign for Joubert syndrome 25. Last evaluated: 2026-01-05. Review status: criteria provided, single submitter. Criteria: Invitae Variant Classification Sherloc (09022015). Collection method: clinical testing. Allele origin: germline.

Blueprint Genetics
Classification: Likely benign. Last evaluated: 2023-11-20. Review status: criteria provided, single submitter. Criteria: ACMG Guidelines, 2015. Collection method: clinical testing. Allele origin: germline.

PreventionGenetics, part of Exact Sciences
Classification: Likely benign for CEP104-related condition. Last evaluated: 2019-08-21. Review status: no assertion criteria provided. Collection method: clinical testing. Allele origin: germline. Not counted in ClinVar's aggregate classification.
Comment: This variant is classified as likely benign based on ACMG/AMP sequence variant interpretation guidelines (Richards et al. 2015 PMID: 25741868, with internal and published modifications).

Dr. Peter K. Rogan Lab, Western University
No classification provided (evidence only). Condition: Gastric cancer. Review status: no classification provided. Collection method: in vitro. Allele origin: not applicable. Functional consequence: retained intron. Not counted in ClinVar's aggregate classification.